The following is an entry in ClinVar:

ClinVar aggregate classification (germline): Uncertain significance (1 of 4 stars; one submission).

Allele frequency attached by ClinVar (database versions not stated): gnomAD exomes below 0.00001.

Submission:

CeGaT Center for Human Genetics Tuebingen
Classification: Uncertain significance. Last evaluated: 2023-02-01. Review status: criteria provided, single submitter. Criteria: CeGaT Center For Human Genetics Tuebingen Variant Classification Criteria Version 2. Collection method: clinical testing. Allele origin: germline. Affected: yes. Observed: 1 variant allele.
Comment: DRP2: PM2, BP4

NM_001939.3(DRP2):c.2297A>T (p.Glu766Val)

Gene: DRP2 (dystrophin related protein 2; plus strand). Cytogenetic location: Xq22.1.
Variant type: single nucleotide variant.
Coding change: c.2297A>T on transcript NM_001939.3 (MANE Select); coding-DNA position 2297, A replaced by T.
Protein change: p.Glu766Val; replaces glutamic acid 766 with valine.
Molecular consequence: missense variant.
Genome position (GRCh38, 1-based): chrX:101,256,168, A>T. VCF-style: chrX-101256168-A-T. GRCh37 (hg19) VCF-style: chrX-100511157-A-T.
Other names: c.2063A>T, p.Glu688Val (NM_001171184.2); short protein forms E688V, E766V.
Identifiers: ClinVar variation 2499148 (VCV002499148.28), dbSNP rs2520291158, ClinGen allele CA413908838.